The following is an entry in ClinVar:

NM_000038.6(APC):c.1353T>A (p.Cys451Ter)

Gene: APC (APC regulator of Wnt signaling pathway; plus strand). Cytogenetic location: 5q22.2.
Variant type: single nucleotide variant.
Coding change: c.1353T>A on transcript NM_000038.6 (MANE Select); coding-DNA position 1353, T replaced by A.
Protein change: p.Cys451Ter; replaces cysteine 451 with a stop codon.
Molecular consequence: nonsense.
Genome position (GRCh38, 1-based): chr5:112,821,936, T>A. VCF-style: chr5-112821936-T-A. GRCh37 (hg19) VCF-style: chr5-112157633-T-A.
Other names: c.1353T>A, p.Cys451Ter (NM_001127510.3, NM_001354895.2, NM_001354896.2); c.1299T>A, p.Cys433Ter (NM_001127511.3); c.1383T>A, p.Cys461Ter (NM_001354897.2); c.1278T>A, p.Cys426Ter (NM_001354898.2); c.1269T>A, p.Cys423Ter (NM_001354899.2); c.1176T>A, p.Cys392Ter (NM_001354900.2, NM_001354901.2); c.1080T>A, p.Cys360Ter (NM_001354902.2); c.1050T>A, p.Cys350Ter (NM_001354903.2); and 3 more; short protein forms C392*, C433*, C168*, C291*, C426*, C350*, C360*, C423*.
Identifiers: ClinVar variation 857174 (VCV000857174.9), dbSNP rs1387916046, ClinGen allele CA16024265.

ClinVar aggregate classification (germline): Pathogenic (1 of 4 stars; one submission).

Conditions:
Familial adenomatous polyposis 1 (FAP1). Also called: FAMILIAL ADENOMATOUS POLYPOSIS 1, ATTENUATED; POLYPOSIS, ADENOMATOUS INTESTINAL. Identifiers: MedGen C2713442, MONDO:0021056, OMIM 175100. Disease mechanism: loss of function.

Submission:

Labcorp Genetics (formerly Invitae), Labcorp
Classification: Pathogenic for Familial adenomatous polyposis 1. Last evaluated: 2019-04-03. Review status: criteria provided, single submitter. Criteria: Invitae Variant Classification Sherloc (09022015). Collection method: clinical testing. Allele origin: germline.
Comment: For these reasons, this variant has been classified as Pathogenic. Loss-of-function variants in APC are known to be pathogenic (PMID: 17963004, 20685668). This variant has not been reported in the literature in individuals with APC-related conditions. This variant is not present in population databases (ExAC no frequency). This sequence change creates a premature translational stop signal (p.Cys451*) in the APC gene. It is expected to result in an absent or disrupted protein product.

Literature cited by the submitters: PubMed 17963004; PubMed 20685668.